The following is an entry in ClinVar:

ClinVar aggregate classification (germline): Uncertain significance (1 of 4 stars; one submission).

Conditions:
Glycogen storage disease, type II (IOPD). Also called: Glycogen storage disease type 2; Acid maltase deficiency disease; Aglucosidase alfa; Deficiency of alpha-glucosidase; Deficiency of lysosomal alpha-glucosidase; Glucosidase acid-1,4-alpha deficiency. Identifiers: Orphanet 365, MedGen C0017921, MONDO:0009290, OMIM 232300.

Allele frequency attached by ClinVar (database versions not stated): gnomAD exomes below 0.00001.
gnomAD v4.1: 3 of 1,561,160 alleles (0.00019%); highest among the groups gnomAD compares: Non-Finnish European, 0.00026%; no homozygotes.

Submission:

Labcorp Genetics (formerly Invitae), Labcorp
Classification: Uncertain significance for Glycogen storage disease, type II. Last evaluated: 2022-08-01. Review status: criteria provided, single submitter. Criteria: Invitae Variant Classification Sherloc (09022015). Collection method: clinical testing. Allele origin: germline.
Comment: In summary, the available evidence is currently insufficient to determine the role of this variant in disease. Therefore, it has been classified as a Variant of Uncertain Significance. This variant has not been reported in the literature in individuals affected with GAA-related conditions. Algorithms developed to predict the effect of missense changes on protein structure and function output the following: SIFT: "Tolerated"; PolyPhen-2: "Benign"; Align-GVGD: "Class C0". The serine amino acid residue is found in multiple mammalian species, which suggests that this missense change does not adversely affect protein function. Algorithms developed to predict the effect of sequence changes on RNA splicing suggest that this variant may create or strengthen a splice site. This variant is not present in population databases (gnomAD no frequency). This sequence change replaces asparagine, which is neutral and polar, with serine, which is neutral and polar, at codon 882 of the GAA protein (p.Asn882Ser).

NM_000152.5(GAA):c.2645A>G (p.Asn882Ser)

Gene: GAA (alpha glucosidase; plus strand). Cytogenetic location: 17q25.3.
Variant type: single nucleotide variant.
Coding change: c.2645A>G on transcript NM_000152.5 (MANE Select); coding-DNA position 2645, A replaced by G.
Protein change: p.Asn882Ser; replaces asparagine 882 with serine.
Molecular consequence: missense variant.
Genome position (GRCh38, 1-based): chr17:80,118,356, A>G. VCF-style: chr17-80118356-A-G. GRCh37 (hg19) VCF-style: chr17-78092155-A-G.
Other names: c.2645A>G, p.Asn882Ser (NM_001079803.3, NM_001079804.3, NM_001406741.1 and 1 more transcripts); short protein forms N882S.
Identifiers: ClinVar variation 1714754 (VCV001714754.6), dbSNP rs2510403032, ClinGen allele CA401326499.
Genomic context (GRCh38, chr17:80,118,356, plus strand): 5'-GAGAGAGCCTGGAAGTGCTGGAGCGAGGGGCCTACACACAGGTCATCTTCCTGGCCAGGA[A>G]TGTGAGTCCTGGGGCTGCTCAGGCTGGTGGGCAGGGGCCGGCTCGGGGTTGAGAAGGGGT-3'
Protein context (NP_000143.2, residues 872-892): AYTQVIFLAR[Asn882Ser]NTIVNELVRV